The following is an entry in ClinVar:

NM_001134831.2(AHI1):c.1337T>C (p.Phe446Ser)

Gene: AHI1 (Abelson helper integration site 1; minus strand). Cytogenetic location: 6q23.3.
Variant type: single nucleotide variant.
Coding change: c.1337T>C on transcript NM_001134831.2 (MANE Select); coding-DNA position 1337, T replaced by C.
Protein change: p.Phe446Ser; replaces phenylalanine 446 with serine.
Molecular consequence: missense variant.
Genome position (GRCh38, 1-based): chr6:135,455,741, A>G on the plus strand (T>C on the coding strand, the complement: AHI1 is on the minus strand). VCF-style: chr6-135455741-A-G. GRCh37 (hg19) VCF-style: chr6-135776879-A-G.
Other names: c.1337T>C, p.Phe446Ser (NM_001134830.2, NM_001134832.2, NM_001350503.2 and 2 more transcripts); short protein forms F446S.
Identifiers: ClinVar variation 1492412 (VCV001492412.6), dbSNP rs773978949, ClinGen allele CA365746370.

ClinVar aggregate classification (germline): Uncertain significance (1 of 4 stars; one submission).

Conditions:
Joubert syndrome. Also called: CEREBELLOPARENCHYMAL DISORDER IV; JOUBERT-BOLTSHAUSER SYNDROME; Familial aplasia of the vermis. Identifiers: Orphanet 475, MedGen C5979921, MONDO:0018772.

Submission:

Labcorp Genetics (formerly Invitae), Labcorp
Classification: Uncertain significance for Joubert syndrome. Last evaluated: 2025-05-05. Review status: criteria provided, single submitter. Criteria: Invitae Variant Classification Sherloc (09022015). Collection method: clinical testing. Allele origin: germline.
Comment: This sequence change replaces phenylalanine, which is neutral and non-polar, with serine, which is neutral and polar, at codon 446 of the AHI1 protein (p.Phe446Ser). This variant is not present in population databases (gnomAD no frequency). This variant has not been reported in the literature in individuals affected with AHI1-related conditions. ClinVar contains an entry for this variant (Variation ID: 1492412). Invitae Evidence Modeling of protein sequence and biophysical properties (such as structural, functional, and spatial information, amino acid conservation, physicochemical variation, residue mobility, and thermodynamic stability) indicates that this missense variant is expected to disrupt AHI1 protein function with a positive predictive value of 95%. In summary, the available evidence is currently insufficient to determine the role of this variant in disease. Therefore, it has been classified as a Variant of Uncertain Significance.